The following is an entry in ClinVar:

NM_001394998.1(TANC2):c.1171C>T (p.Pro391Ser)

Gene: TANC2 (tetratricopeptide repeat, ankyrin repeat and coiled-coil containing 2; plus strand). Cytogenetic location: 17q23.3.
Variant type: single nucleotide variant.
Coding change: c.1171C>T on transcript NM_001394998.1 (MANE Select); coding-DNA position 1171, C replaced by T.
Protein change: p.Pro391Ser; replaces proline 391 with serine.
Molecular consequence: missense variant.
Genome position (GRCh38, 1-based): chr17:63,314,399, C>T. VCF-style: chr17-63314399-C-T. GRCh37 (hg19) VCF-style: chr17-61391760-C-T.
Other names: c.949C>T, p.Pro317Ser (NM_025185.4); short protein forms P317S, P391S.
Identifiers: ClinVar variation 1320747 (VCV001320747.7), dbSNP rs373599249, ClinGen allele CA8697526.
Genomic context (GRCh38, chr17:63,314,399, plus strand): 5'-TCAATGTTGACAGTTTGACCTAAGTTCTGCATTCTCTTGTTCCTTTCAGTTCGCTTTGCA[C>T]CTTATAGGCCTCCAGATATCTCCTTGAAGCCTCTGCTCTTTGAAGTGCCCAGCATCACTA-3'
Protein context (NP_001381927.1, residues 381-401): TQQDLRVRFA[Pro391Ser]YRPPDISLKP

ClinVar aggregate classification (germline): Uncertain significance (1 of 4 stars; one submission).

Conditions:
Intellectual developmental disorder with autistic features and language delay, with or without seizures. Identifiers: MedGen C5394447, MONDO:0030051, OMIM 618906.

Allele frequency attached by ClinVar (database versions not stated): gnomAD exomes 0.00002 and below 0.00001; ExAC 0.00001; ESP Exome Variant Server 0.00008.
gnomAD v4.1: 27 of 1,613,860 alleles (0.0017%); highest among the groups gnomAD compares: Non-Finnish European, 0.0023%; no homozygotes.

Submission:

GeneDx
Classification: Uncertain significance. Last evaluated: 2025-12-20. Review status: criteria provided, single submitter. Criteria: GeneDx Variant Classification Process June 2021. Collection method: clinical testing. Allele origin: germline. Affected: yes.
Comment: In silico analysis supports that this missense variant has a deleterious effect on protein structure/function; Has not been previously published as pathogenic or benign to our knowledge